The following is an entry in ClinVar:

ClinVar aggregate classification (germline): Pathogenic (1 of 4 stars; one submission).

Submission:

Labcorp Genetics (formerly Invitae), Labcorp
Classification: Pathogenic. Last evaluated: 2024-06-25. Review status: criteria provided, single submitter. Criteria: Invitae Variant Classification Sherloc (09022015). Collection method: clinical testing. Allele origin: germline.
Comment: This sequence change creates a premature translational stop signal (p.Glu812Argfs*51) in the EMC1 gene. It is expected to result in an absent or disrupted protein product. Loss-of-function variants in EMC1 are known to be pathogenic (PMID: 26572623, 26942288, 29271071). This variant is not present in population databases (gnomAD no frequency). This variant has not been reported in the literature in individuals affected with EMC1-related conditions. For these reasons, this variant has been classified as Pathogenic.

Literature cited by the submitters: PubMed 26572623; PubMed 26942288; PubMed 29271071.

NM_015047.3(EMC1):c.2434del (p.Glu812fs)

Genes: EMC1 (ER membrane protein complex subunit 1; minus strand), EMC1-AS1 (EMC1 antisense RNA 1; plus strand). Cytogenetic location: 1p36.13.
Variant type: Deletion.
Coding change: c.2434del on transcript NM_015047.3 (MANE Select); coding-DNA position 2434, one base deleted (G; older notation c.2434delG).
Protein change: p.Glu812fs; shifts the reading frame from glutamic acid 812.
Molecular consequence: frameshift variant.
Genome position (GRCh38, 1-based): chr1:19,222,777, C deleted on the plus strand (G on the coding strand, the reverse complement: EMC1 is on the minus strand). VCF-style (leftmost placement, unchanged base first): chr1-19222776-TC-T. GRCh37 (hg19) VCF-style: chr1-19549270-TC-T.
Other names: c.2431del, p.Glu811fs (NM_001271427.2, NM_001271428.2); c.2368del, p.Glu790fs (NM_001271429.2); c.2443del, p.Glu815fs (NM_001375820.1); c.2440del, p.Glu814fs (NM_001375821.1); short protein forms E815fs, E790fs, E812fs, E814fs, E811fs.
Identifiers: ClinVar variation 3657791 (VCV003657791.2).